The following is an entry in ClinVar:

NM_000152.5(GAA):c.2331+2T>A

Gene: GAA (alpha glucosidase; plus strand). Cytogenetic location: 17q25.3.
Variant type: single nucleotide variant.
Coding change: c.2331+2T>A on transcript NM_000152.5 (MANE Select); the canonical splice donor site of the intron after coding-DNA position 2331, T replaced by A.
Molecular consequence: splice donor variant.
Genome position (GRCh38, 1-based): chr17:80,117,111, T>A. VCF-style: chr17-80117111-T-A. GRCh37 (hg19) VCF-style: chr17-78090910-T-A.
Other names: c.2331+2T>A (NM_001406741.1, NM_001406742.1, NM_001079803.3 and 1 more transcripts).
Identifiers: ClinVar variation 371281 (VCV000371281.19), dbSNP rs1057517148, ClinGen allele CA16041906.

ClinVar aggregate classification (germline): Pathogenic. Review status: reviewed by expert panel (3 of 4 stars). 8 submissions from 8 submitters: Pathogenic (1). 7 of the submissions do not count toward it. Last evaluated 2024-12-19.

Conditions:
Glycogen storage disease, type II (IOPD). Also called: CARDIOMEGALIA GLYCOGENICA DIFFUSA; GLYCOGENOSIS, GENERALIZED, CARDIAC FORM; GSD II; Glucosidase acid-1,4-alpha deficiency; Glycogen storage disease type 2; Acid maltase deficiency disease. Identifiers: Orphanet 365, MedGen C0017921, MONDO:0009290, OMIM 232300.

Allele frequency attached by ClinVar (database versions not stated): gnomAD exomes below 0.00001; TOPMed below 0.00001; gnomAD 0.00001.
gnomAD v4.1: 2 of 1,612,238 alleles (0.00012%); highest among the groups gnomAD compares: Non-Finnish European, 0.00017%; no homozygotes.

Submissions (8):

ClinGen Lysosomal Storage Disorder Variant Curation Expert Panel
Classification: Pathogenic for Glycogen storage disease, type II. Last evaluated: 2024-12-19. Review status: reviewed by expert panel. Criteria: clingen_lsd_acmg_specifications_v2-1. Collection method: curation. Allele origin: germline. Inheritance: Autosomal recessive inheritance.
Comment: The NM_000152.5:c.2331+2T>A variant in GAA occurs within the canonical splice donor site of intron 16. RT-PCR of RNA from cultured fibroblasts from a patient who is compound heterozygous for this variant revealed that c.2331+2T>A leads to use of an alternative splice donor at c.2315, resulting in a frameshift, premature stop codon and nonsense-mediated decay in a gene in which loss-of-function is an established disease mechanism (PMID 33168984). Western blot of protein from cultured fibroblasts from another patient with this variant found absence of cross-reactive immunological material for GAA supporting that this variant results in lack of gene product (PMID 22252923)(PVS1). At least 5 patients with Pompe disease have been reported with this variant including 4 patients with documented GAA deficiency (PMID 26693141, 27189384, 32071926)(PP4_Moderate). Of these patients, three are compound heterozygous for the variant and c.-32-13T>G, with one confirmed in trans (PMIDs 27189384, 30922962, 29149851), one is compound heterozygous for the variant and c.1327-61_1437+171del, phase unknown (PMID 32071926), and one patient is homozygous (PMID 26693141)(PM3). The highest population minor allele frequency in gnomAD v2.1.1 is 0.00001 in the European non-Finnish population, which is lower than the ClinGen LD VCEP’s threshold for PM2_Supporting (<0.001), meeting this criterion (PM2_Supporting). The computational splicing predictor SpliceAI gives a score of 0.97 for donor loss, predicting that the variant disrupts the donor splice site of intron 16 of GAA. But since PVS1 is applied, PP3 cannot be applied at the same time. There is a ClinVar entry for this variant (Variation ID: 371281, 2 star review status) with seven submitters classifying the variant as pathogenic. In summary, this variant meets the criteria to be classified as pathogenic for Pompe disease. ACMG/AMP criteria met, as specified by the ClinGen Lysosomal Diseases VCEP (ACMG/AMP specifications version 2.0): PVS1, PM3, PP4_Moderate, PM2_Supporting. (Classification approved by the ClinGen Lysosomal Diseases Variant Curation Expert Panel on December 19, 2024)

Genomenon, Inc
Classification: Pathogenic for Glycogen storage disease, type II. Last evaluated: 2026-07-01. Review status: criteria provided, single submitter. Criteria: Genomenon Sequence Variant Interpretation Standards - Updated. Collection method: curation. Allele origin: germline. Affected: yes. Not counted in ClinVar's aggregate classification.
Comment: GAA c.2331+2T>A is a canonical splice variant affecting the donor splice site of intron 16. It is predicted to affect mRNA splicing, leading to a deleterious effect on the GAA protein. This variant has been observed in at least one proband with a GAA-related disorder (PMID:33358862;33168984;32248831;32071926;31086307;29149851;27189384). At least one splicing study has demonstrated that this variant results in aberrant splicing (PMID:33168984;32071926). It is absent or not present at a significant frequency in gnomAD. In conclusion, we classify GAA c.2331+2T>A as a pathogenic variant.

Labcorp Genetics (formerly Invitae), Labcorp
Classification: Pathogenic for Glycogen storage disease, type II. Last evaluated: 2024-05-13. Review status: criteria provided, single submitter. Criteria: Invitae Variant Classification Sherloc (09022015). Collection method: clinical testing. Allele origin: germline. Not counted in ClinVar's aggregate classification.
Comment: This sequence change affects a donor splice site in intron 16 of the GAA gene. It is expected to disrupt RNA splicing. Variants that disrupt the donor or acceptor splice site typically lead to a loss of protein function (PMID: 16199547), and loss-of-function variants in GAA are known to be pathogenic (PMID: 18425781, 22252923). This variant is present in population databases (no rsID available, gnomAD 0.0009%). Disruption of this splice site has been observed in individual(s) with Pompe disease (PMID: 31086307, 32071926). ClinVar contains an entry for this variant (Variation ID: 371281). Algorithms developed to predict the effect of sequence changes on RNA splicing suggest that this variant may disrupt the consensus splice site. For these reasons, this variant has been classified as Pathogenic.

Revvity Omics, Revvity
Classification: Pathogenic. Last evaluated: 2021-09-15. Review status: criteria provided, single submitter. Criteria: ACMG Guidelines, 2015. Collection method: clinical testing. Allele origin: germline. Not counted in ClinVar's aggregate classification.

Broad Center for Mendelian Genomics, Broad Institute of MIT and Harvard
Classification: Pathogenic for Glycogen storage disease, type II. Last evaluated: 2020-01-22. Review status: criteria provided, single submitter. Criteria: ACMG Guidelines, 2015. Collection method: curation. Allele origin: germline. Inheritance: Autosomal recessive inheritance. Not counted in ClinVar's aggregate classification.
Comment: This variant has been identified in 0.001% (1/111712) of European (non-Finnish) chromosomes by the Genome Aggregation Database (gnomAD; dbSNP rs1057517148). Although this variant has been seen in the general population, its frequency is low enough to be consistent with a recessive carrier frequency. This variant occurs in the invariant region (+/- 1/2) of the splice consensus sequence and is predicted to cause altered splicing leading to an abnormal or absent protein. Loss of function of the GAA gene is an established disease mechanism in autosomal recessive Glycogen Storage Disease II. The presence of this variant in combination with a pathogenic variant and in an individual with Glycogen Storage Disease II slightly increases the likelihood that the c.2331+2T>A variant is pathogenic (PMID: 20817528). The phenotype of an individual heterozygous for this variant is highly specific for Glycogen Storage Disease II with abnormally low GAA activity detected in their fibroblasts (PMID: 20817528). In summary, this variant meets criteria to be classified as pathogenic for Glycogen Storage Disease II in an autosomal recessive manner based on the predicted impact of the variant and an occurrence with a pathogenic GAA variant in an individual with Glycogen Storage Disease II. ACMG/AMP Criteria applied: PVS1, PM3_Supporting, PM2, PP4 (Richards 2015).

Counsyl
Classification: Pathogenic for Glycogen storage disease, type II. Last evaluated: 2016-08-18. Review status: no assertion criteria provided. Collection method: clinical testing. Allele origin: unknown. Not counted in ClinVar's aggregate classification.

Clinical Genetics DNA and cytogenetics Diagnostics Lab, Erasmus MC, Erasmus Medical Center
Classification: Pathogenic. Review status: no assertion criteria provided. Collection method: clinical testing. Allele origin: germline. Affected: yes. Study: VKGL Data-share Consensus. Not counted in ClinVar's aggregate classification.

Genome Diagnostics Laboratory, University Medical Center Utrecht
Classification: Pathogenic. Review status: no assertion criteria provided. Collection method: clinical testing. Allele origin: germline. Affected: yes. Study: VKGL Data-share Consensus. Not counted in ClinVar's aggregate classification.

Literature cited by the submitters: PubMed 33358862 (cited by Genomenon, Inc); PubMed 33168984 (cited by Genomenon, Inc); PubMed 32248831 (cited by Genomenon, Inc); PubMed 32071926 (cited by Genomenon, Inc and Labcorp Genetics (formerly Invitae), Labcorp); PubMed 31086307 (cited by Genomenon, Inc and Labcorp Genetics (formerly Invitae), Labcorp); PubMed 29149851 (cited by Genomenon, Inc); PubMed 27189384 (cited by Genomenon, Inc); PubMed 16199547 (cited by Labcorp Genetics (formerly Invitae), Labcorp); PubMed 18425781 (cited by 3 submitters); PubMed 22252923 (cited by 3 submitters); PubMed 20817528 (cited by Broad Center for Mendelian Genomics, Broad Institute of MIT and Harvard and Counsyl).